The following is an entry in ClinVar:

NM_000929.3(PLA2G5):c.62G>T (p.Gly21Val)

Gene: PLA2G5 (phospholipase A2 group V; plus strand). Cytogenetic location: 1p36.13.
Variant type: single nucleotide variant.
Coding change: c.62G>T on transcript NM_000929.3 (MANE Select); coding-DNA position 62, G replaced by T.
Protein change: p.Gly21Val; replaces glycine 21 with valine.
Molecular consequence: missense variant.
Genome position (GRCh38, 1-based): chr1:20,086,104, G>T. VCF-style: chr1-20086104-G-T. GRCh37 (hg19) VCF-style: chr1-20412597-G-T.
Other names: short protein forms G21V.
Identifiers: ClinVar variation 1017725 (VCV001017725.8), dbSNP rs2016274700, ClinGen allele CA338819428.

ClinVar aggregate classification (germline): Uncertain significance (1 of 4 stars; one submission).

gnomAD v4.1: 1 of 1,614,140 alleles (0.000062%); no homozygotes.

Submission:

Labcorp Genetics (formerly Invitae), Labcorp
Classification: Uncertain significance. Last evaluated: 2024-10-08. Review status: criteria provided, single submitter. Criteria: Invitae Variant Classification Sherloc (09022015). Collection method: clinical testing. Allele origin: germline.
Comment: This sequence change replaces glycine, which is neutral and non-polar, with valine, which is neutral and non-polar, at codon 21 of the PLA2G5 protein (p.Gly21Val). This variant is not present in population databases (gnomAD no frequency). This variant has not been reported in the literature in individuals affected with PLA2G5-related conditions. ClinVar contains an entry for this variant (Variation ID: 1017725). An algorithm developed to predict the effect of missense changes on protein structure and function (PolyPhen-2) suggests that this variant is likely to be disruptive. In summary, the available evidence is currently insufficient to determine the role of this variant in disease. Therefore, it has been classified as a Variant of Uncertain Significance.